The following is an entry in ClinVar:

NM_003124.5(SPR):c.629G>A (p.Arg210Gln)

Gene: SPR (sepiapterin reductase; plus strand). Cytogenetic location: 2p13.2.
Variant type: single nucleotide variant.
Coding change: c.629G>A on transcript NM_003124.5 (MANE Select); coding-DNA position 629, G replaced by A.
Protein change: p.Arg210Gln; replaces arginine 210 with glutamine.
Molecular consequence: missense variant.
Genome position (GRCh38, 1-based): chr2:72,891,380, G>A. VCF-style: chr2-72891380-G-A. GRCh37 (hg19) VCF-style: chr2-73118509-G-A.
Other names: short protein forms R210Q.
Identifiers: ClinVar variation 196357 (VCV000196357.8), dbSNP rs200938963, ClinGen allele CA243283.

ClinVar aggregate classification (germline): Uncertain significance. Review status: criteria provided, multiple submitters, no conflicts (2 of 4 stars). 2 submissions from 2 submitters: Uncertain significance (2). Last evaluated 2022-04-22.

Conditions:
Dystonic disorder. Also called: Dystonia. Identifiers: MedGen C0013421, MONDO:0003441, HP:0001332.

Allele frequency attached by ClinVar (database versions not stated): gnomAD exomes 0.00003 and 0.00010; ExAC 0.00011; gnomAD 0.00033 and 0.00034; TOPMed 0.00033; ESP Exome Variant Server 0.00038; 1000 Genomes Project 0.00040; 1000 Genomes Project 30x 0.00047.

Submissions (2):

Labcorp Genetics (formerly Invitae), Labcorp
Classification: Uncertain significance for Dystonic disorder. Last evaluated: 2022-04-22. Review status: criteria provided, single submitter. Criteria: Invitae Variant Classification Sherloc (09022015). Collection method: clinical testing. Allele origin: germline.
Comment: This sequence change replaces arginine, which is basic and polar, with glutamine, which is neutral and polar, at codon 210 of the SPR protein (p.Arg210Gln). This variant is present in population databases (rs200938963, gnomAD 0.1%). This variant has not been reported in the literature in individuals affected with SPR-related conditions. ClinVar contains an entry for this variant (Variation ID: 196357). Algorithms developed to predict the effect of missense changes on protein structure and function are either unavailable or do not agree on the potential impact of this missense change (SIFT: "Deleterious"; PolyPhen-2: "Benign"; Align-GVGD: "Class C0"). In summary, the available evidence is currently insufficient to determine the role of this variant in disease. Therefore, it has been classified as a Variant of Uncertain Significance.

Eurofins Ntd Llc (ga)
Classification: Uncertain significance. Last evaluated: 2015-05-22. Review status: criteria provided, single submitter. Criteria: EGL Classification Definitions 2015. Collection method: clinical testing. Allele origin: germline. Observed: 1 variant allele, 1 heterozygote.